The following is an entry in ClinVar:

ClinVar aggregate classification (germline): Conflicting classifications of pathogenicity. Review status: criteria provided, conflicting classifications (1 of 4 stars). 5 submissions from 5 submitters: Uncertain significance (3); Likely benign (1). 1 of the submissions does not count toward it. Last evaluated 2026-01-28.

Conditions:
Cardiovascular phenotype. Identifiers: MedGen CN230736.
Dystrophin deficiency.
Cardiomyopathy (CMYO). Also called: Cardiomyopathies. Identifiers: Orphanet 167848, MedGen C0878544, MONDO:0004994, HP:0001638. Inheritance: Various modes of inheritance.
Becker muscular dystrophy (BMD). Also called: Becker Muscular Dystrophy (BMD); MUSCULAR DYSTROPHY, PSEUDOHYPERTROPHIC PROGRESSIVE, BECKER TYPE. Identifiers: Orphanet 98895, MedGen C0917713, MONDO:0010311, OMIM 300376.
Duchenne muscular dystrophy (DMD). Also called: Duchenne Muscular Dystrophy (DMD); MUSCULAR DYSTROPHY, PSEUDOHYPERTROPHIC PROGRESSIVE, DUCHENNE TYPE. Identifiers: Orphanet 98896, MedGen C0013264, MONDO:0010679, OMIM 310200.
Dilated cardiomyopathy 3B (CMD3B). Also called: CMD3B: DMD-Related Dilated Cardiomyopathy; CARDIOMYOPATHY, DILATED, X-LINKED; DMD-Associated Dilated Cardiomyopathy. Identifiers: Orphanet 154, MedGen C3668940, MONDO:0010542, OMIM 302045.

Allele frequency attached by ClinVar (database versions not stated): TOPMed 0.00002; gnomAD 0.00001; ExAC 0.00002; gnomAD exomes 0.00002.

Submissions (5):

Labcorp Genetics (formerly Invitae), Labcorp
Classification: Likely benign for Duchenne muscular dystrophy. Last evaluated: 2026-01-28. Review status: criteria provided, single submitter. Criteria: Invitae Variant Classification Sherloc (09022015). Collection method: clinical testing. Allele origin: germline.

Fulgent Genetics
Classification: Uncertain significance for Becker muscular dystrophy; Dilated cardiomyopathy 3B; Duchenne muscular dystrophy. Last evaluated: 2021-08-12. Review status: criteria provided, single submitter. Criteria: ACMG Guidelines, 2015. Collection method: clinical testing. Allele origin: unknown.

Women's Health and Genetics/Laboratory Corporation of America, LabCorp
Classification: Uncertain significance. Last evaluated: 2021-04-03. Review status: criteria provided, single submitter. Criteria: LabCorp Variant Classification Summary - May 2015. Collection method: clinical testing. Allele origin: germline.
Comment: Variant summary: DMD c.3982C>G (p.Gln1328Glu) results in a conservative amino acid change in the encoded protein sequence. Three of five in-silico tools predict a damaging effect of the variant on protein function. The variant allele was found at a frequency of 2.2e-05 in 182999 control chromosomes. The available data on variant occurrences in the general population are insufficient to allow any conclusion about variant significance. To our knowledge, no occurrence of c.3982C>G in individuals affected with Dystrophinopathies and no experimental evidence demonstrating its impact on protein function have been reported. Two clinical diagnostic laboratories have submitted clinical-significance assessments for this variant to ClinVar after 2014 without evidence for independent evaluation. All laboratories classified the variant as uncertain significance. Based on the evidence outlined above, the variant was classified as uncertain significance.

Ambry Genetics
Classification: Uncertain significance for Cardiovascular phenotype. Last evaluated: 2016-07-13. Review status: criteria provided, single submitter. Criteria: Ambry Autosomal Dominant and X-Linked criteria (10/2015). Collection method: clinical testing. Allele origin: germline. Observed: 1 variant allele.
Comment: There is insufficient or conflicting evidence for classification of this alteration.

Natera, Inc.
Classification: Uncertain significance for Becker muscular dystrophy; Cardiomyopathy; Duchenne muscular dystrophy; Dystrophin deficiency. Last evaluated: 2020-04-22. Review status: no assertion criteria provided. Collection method: clinical testing. Allele origin: germline. Not counted in ClinVar's aggregate classification.

NM_004006.3(DMD):c.3982C>G (p.Gln1328Glu)

Gene: DMD (dystrophin; minus strand). Cytogenetic location: Xp21.1.
Variant type: single nucleotide variant.
Coding change: c.3982C>G on transcript NM_004006.3 (MANE Select); coding-DNA position 3982, C replaced by G.
Protein change: p.Gln1328Glu; replaces glutamine 1328 with glutamic acid.
Molecular consequence: missense variant.
Genome position (GRCh38, 1-based): chrX:32,438,330, G>C on the plus strand (C>G on the coding strand, the complement: DMD is on the minus strand). VCF-style: chrX-32438330-G-C. GRCh37 (hg19) VCF-style: chrX-32456447-G-C.
Other names: c.3958C>G, p.Gln1320Glu (NM_000109.4); c.3970C>G, p.Gln1324Glu (NM_004009.3); c.3613C>G, p.Gln1205Glu (NM_004010.3); short protein forms Q1328E, Q1205E, Q1320E, Q1324E.
Identifiers: ClinVar variation 519062 (VCV000519062.12), dbSNP rs745640786, ClinGen allele CA10379138.